The following is an entry in ClinVar:

ClinVar aggregate classification (germline): Uncertain significance (1 of 4 stars; one submission).

Submission:

Dasa
Classification: Uncertain significance. Last evaluated: 2025-01-20. Review status: criteria provided, single submitter. Criteria: DASA Assertion Criteria. Collection method: clinical testing. Allele origin: germline.
Comment: NM_001142966.3(GREB1L):c.4848G>C (p.Met1616Ile) is a missense variant that results in the substitution of methionine with isoleucine. This variant is absent from population databases. Computational prediction algorithms are consistent with a benign effect. The currently available literature and clinical evidence are not sufficient to establish a definitive association between this variant and the reported condition. Therefore, this variant is classified as a variant of uncertain significance.

NM_001142966.3(GREB1L):c.4848G>C (p.Met1616Ile)

Gene: GREB1L (GREB1 like retinoic acid receptor coactivator; plus strand). Cytogenetic location: 18q11.2.
Variant type: single nucleotide variant.
Coding change: c.4848G>C on transcript NM_001142966.3 (MANE Select); coding-DNA position 4848, G replaced by C.
Protein change: p.Met1616Ile; replaces methionine 1616 with isoleucine.
Molecular consequence: missense variant.
Genome position (GRCh38, 1-based): chr18:21,513,933, G>C. VCF-style: chr18-21513933-G-C. GRCh37 (hg19) VCF-style: chr18-19093894-G-C.
Other names: c.4977G>C, p.Met1659Ile (NM_001410867.1); c.4521G>C, p.Met1507Ile (NM_001410868.1); short protein forms M1507I, M1616I, M1659I.
Identifiers: ClinVar variation 4886062 (VCV004886062.2).